The following is an entry in ClinVar:

NM_001099402.2(CCNK):c.1363G>A (p.Gly455Arg)

Genes: CCDC85C (coiled-coil domain containing 85C; minus strand), CCNK (cyclin K; plus strand). Cytogenetic location: 14q32.2.
Variant type: single nucleotide variant.
Coding change: c.1363G>A on transcript NM_001099402.2 (MANE Select); coding-DNA position 1363, G replaced by A.
Protein change: p.Gly455Arg; replaces glycine 455 with arginine.
Molecular consequence: missense variant. On other transcripts: 3 prime UTR variant (1).
Genome position (GRCh38, 1-based): chr14:99,510,402, G>A. VCF-style: chr14-99510402-G-A. GRCh37 (hg19) VCF-style: chr14-99976739-G-A.
Other names: c.*4844C>T (NM_001144995.2); short protein forms G455R.
Identifiers: ClinVar variation 1679703 (VCV001679703.3), dbSNP rs1217663367, ClinGen allele CA390945484.
Genomic context (GRCh38, chr14:99,510,402, plus strand): 5'-ACCAGCTCCTACATGTCTGGAGAGGGCTACCAGAGCCTGCAGTCCATGATGAAGACCGAG[G>A]GACCCTCCTACGGTGCCCTGCCCCCCGCCTACGGCCCACCTGCACACCTGCCCTACCACC-3'
Protein context (NP_001092872.1, residues 445-465): QSLQSMMKTE[Gly455Arg]PSYGALPPAY

ClinVar aggregate classification (germline): Uncertain significance (1 of 4 stars; one submission).

Conditions:
Intellectual developmental disorder with hypertelorism and distinctive facies. Identifiers: MedGen C4748381, MONDO:0029143, OMIM 618147.

Allele frequency attached by ClinVar (database versions not stated): gnomAD 0.00001; gnomAD exomes 0.00001.
gnomAD v4.1: 17 of 1,560,120 alleles (0.0011%); highest among the groups gnomAD compares: East Asian, 0.024%; no homozygotes.

Submission:

New York Genome Center
Classification: Uncertain significance for Intellectual developmental disorder with hypertelorism and distinctive facies. Last evaluated: 2021-06-21. Review status: criteria provided, single submitter. Criteria: NYGC Assertion Criteria 2020. Collection method: clinical testing. Allele origin: germline. Observed: 1 heterozygote. Study: CSER-NYCKidSeq.